The following is an entry in ClinVar:

NM_006939.4(SOS2):c.2290A>G (p.Ser764Gly)

Gene: SOS2 (SOS Ras/Rho guanine nucleotide exchange factor 2; minus strand). Cytogenetic location: 14q21.3.
Variant type: single nucleotide variant.
Coding change: c.2290A>G on transcript NM_006939.4 (MANE Select); coding-DNA position 2290, A replaced by G.
Protein change: p.Ser764Gly; replaces serine 764 with glycine.
Molecular consequence: missense variant.
Genome position (GRCh38, 1-based): chr14:50,150,102, T>C on the plus strand (A>G on the coding strand, the complement: SOS2 is on the minus strand). VCF-style: chr14-50150102-T-C. GRCh37 (hg19) VCF-style: chr14-50616820-T-C.
Other names: short protein forms S764G.
Identifiers: ClinVar variation 950843 (VCV000950843.11), dbSNP rs779464455, ClinGen allele CA7177075.

ClinVar aggregate classification (germline): Conflicting classifications of pathogenicity. Review status: criteria provided, conflicting classifications (1 of 4 stars). 3 submissions from 3 submitters: Uncertain significance (2); Likely benign (1). Last evaluated 2025-05-10.

Conditions:
Cardiovascular phenotype. Identifiers: MedGen CN230736.
Noonan syndrome 9 (NS9). Identifiers: Orphanet 648, MedGen C4225282, MONDO:0014691, OMIM 616559.

Allele frequency attached by ClinVar (database versions not stated): TOPMed below 0.00001; ExAC 0.00001; gnomAD exomes 0.00001.

Submissions (3):

Ambry Genetics
Classification: Uncertain significance for Cardiovascular phenotype. Last evaluated: 2025-05-10. Review status: criteria provided, single submitter. Criteria: Ambry Variant Classification Scheme 2023. Collection method: clinical testing. Allele origin: germline.
Comment: The p.S764G variant (also known as c.2290A>G), located in coding exon 14 of the SOS2 gene, results from an A to G substitution at nucleotide position 2290. The serine at codon 764 is replaced by glycine, an amino acid with similar properties. This amino acid position is conserved. In addition, this alteration is predicted to be tolerated by in silico analysis. Based on the available evidence, the clinical significance of this variant remains unclear.

Labcorp Genetics (formerly Invitae), Labcorp
Classification: Likely benign for Noonan syndrome 9. Last evaluated: 2025-03-19. Review status: criteria provided, single submitter. Criteria: Invitae Variant Classification Sherloc (09022015). Collection method: clinical testing. Allele origin: germline.

New York Genome Center
Classification: Uncertain significance for Noonan syndrome 9. Last evaluated: 2023-05-08. Review status: criteria provided, single submitter. Criteria: NYGC Assertion Criteria 2020. Collection method: clinical testing. Allele origin: inherited. Observed: 1 heterozygote.